The following is an entry in ClinVar:

NM_024334.3(TMEM43):c.1031T>G (p.Val344Gly)

Gene: TMEM43 (transmembrane protein 43; plus strand). Cytogenetic location: 3p25.1.
Variant type: single nucleotide variant.
Coding change: c.1031T>G on transcript NM_024334.3 (MANE Select); coding-DNA position 1031, T replaced by G.
Protein change: p.Val344Gly; replaces valine 344 with glycine.
Molecular consequence: missense variant.
Genome position (GRCh38, 1-based): chr3:14,141,623, T>G. VCF-style: chr3-14141623-T-G. GRCh37 (hg19) VCF-style: chr3-14183123-T-G.
Other names: c.1034T>G, p.Val345Gly (NM_001407274.1); c.1028T>G, p.Val343Gly (NM_001407275.1, NM_001407276.1); c.1025T>G, p.Val342Gly (NM_001407277.1); c.1016T>G, p.Val339Gly (NM_001407278.1); c.956T>G, p.Val319Gly (NM_001407279.1); c.881T>G, p.Val294Gly (NM_001407280.1); short protein forms V319G, V339G, V345G, V342G, V343G, V294G, V344G.
Identifiers: ClinVar variation 2774611 (VCV002774611.3), dbSNP rs746612885, ClinGen allele CA051010.

ClinVar aggregate classification (germline): Uncertain significance. Review status: criteria provided, multiple submitters, no conflicts (2 of 4 stars). 2 submissions from 2 submitters: Uncertain significance (2). Last evaluated 2026-03-27.

Conditions:
Cardiovascular phenotype. Identifiers: MedGen CN230736.
Cardiomyopathy (CMYO). Also called: Cardiomyopathies. Identifiers: Orphanet 167848, MedGen C0878544, MONDO:0004994, HP:0001638. Inheritance: Various modes of inheritance.

Allele frequency attached by ClinVar (database versions not stated): gnomAD exomes 0.00001; ExAC 0.00001.
gnomAD v4.1: 3 of 1,614,172 alleles (0.00019%); highest among the groups gnomAD compares: Admixed American, 0.0033%; no homozygotes.

Submissions (2):

Molecular Diagnostic Laboratory for Inherited Cardiovascular Disease, Montreal Heart Institute
Classification: Uncertain significance for Cardiovascular phenotype. Last evaluated: 2026-03-27. Review status: criteria provided, single submitter. Criteria: ACMG Guidelines, 2015. Collection method: clinical testing. Allele origin: germline. Affected: yes.
Comment: PM2

Color Diagnostics, LLC DBA Color Health
Classification: Uncertain significance for Cardiomyopathy. Last evaluated: 2024-03-07. Review status: criteria provided, single submitter. Criteria: ACMG Guidelines, 2015. Collection method: clinical testing. Allele origin: germline.
Comment: This missense variant replaces valine with glycine at codon 344 of the TMEM43 protein. Computational prediction suggests that this variant may not impact protein structure and function (internally defined REVEL score threshold <= 0.5, PMID: 27666373). To our knowledge, functional studies have not been reported for this variant. This variant has not been reported in individuals affected with cardiovascular disorders in the literature. This variant has been identified in 3/250860 chromosomes in the general population by the Genome Aggregation Database (gnomAD). The available evidence is insufficient to determine the role of this variant in disease conclusively. Therefore, this variant is classified as a Variant of Uncertain Significance.